The following is an entry in ClinVar:

NM_000180.4(GUCY2D):c.1964G>A (p.Arg655Lys)

Gene: GUCY2D (guanylate cyclase 2D, retinal; plus strand). Cytogenetic location: 17p13.1.
Variant type: single nucleotide variant.
Coding change: c.1964G>A on transcript NM_000180.4 (MANE Select); coding-DNA position 1964, G replaced by A.
Protein change: p.Arg655Lys; replaces arginine 655 with lysine.
Molecular consequence: missense variant.
Genome position (GRCh38, 1-based): chr17:8,012,457, G>A. VCF-style: chr17-8012457-G-A. GRCh37 (hg19) VCF-style: chr17-7915775-G-A.
Other names: short protein forms R655K.
Identifiers: ClinVar variation 867097 (VCV000867097.3), dbSNP rs750399947, ClinGen allele CA8365958.
Genomic context (GRCh38, chr17:8,012,457, plus strand): 5'-GGAGCAAGGGAACCAAGCAGGCTGAGGCTGCCTCTTACCCTACCCATTCCAAGGGAATAA[G>A]GTATCTGCACCATCGAGGCGTGGCTCATGGGCGGCTGAAGTCACGGAACTGCATAGTGGA-3'
Protein context (NP_000171.1, residues 645-665): SLLLDLIKGI[Arg655Lys]YLHHRGVAHG

ClinVar aggregate classification (germline): Uncertain significance. Review status: criteria provided, multiple submitters, no conflicts (2 of 4 stars). 2 submissions from 2 submitters: Uncertain significance (2). Last evaluated 2025-08-30.

Conditions:
Cone-rod dystrophy 6 (CORD6). Also called: Cone dystrophy progressive; RETINAL CONE DYSTROPHY 2. Identifiers: Orphanet 1872, MedGen C1866293, MONDO:0011143, OMIM 601777.
Leber congenital amaurosis 1 (LCA1). Also called: RETINAL BLINDNESS, CONGENITAL; Congenital absence of the rods and cones; Leber's congenital tapetoretinal degeneration; Leber's congenital tapetoretinal dysplasia; AMAUROSIS CONGENITA OF LEBER I. Identifiers: Orphanet 65, MedGen C2931258, MONDO:0008764, OMIM 204000.

Allele frequency attached by ClinVar (database versions not stated): gnomAD exomes below 0.00001.
gnomAD v4.1: 1 of 1,614,082 alleles (0.000062%); highest among the groups gnomAD compares: East Asian, 0.0022%; no homozygotes.

Submissions (2):

Labcorp Genetics (formerly Invitae), Labcorp
Classification: Uncertain significance for Leber congenital amaurosis 1; Cone-rod dystrophy 6. Last evaluated: 2025-08-30. Review status: criteria provided, single submitter. Criteria: Invitae Variant Classification Sherloc (09022015). Collection method: clinical testing. Allele origin: germline.
Comment: This sequence change replaces arginine, which is basic and polar, with lysine, which is basic and polar, at codon 655 of the GUCY2D protein (p.Arg655Lys). This variant is present in population databases (rs750399947, gnomAD 0.006%). This variant has not been reported in the literature in individuals affected with GUCY2D-related conditions. ClinVar contains an entry for this variant (Variation ID: 867097). Invitae Evidence Modeling of protein sequence and biophysical properties (such as structural, functional, and spatial information, amino acid conservation, physicochemical variation, residue mobility, and thermodynamic stability) indicates that this missense variant is not expected to disrupt GUCY2D protein function with a negative predictive value of 80%. In summary, the available evidence is currently insufficient to determine the role of this variant in disease. Therefore, it has been classified as a Variant of Uncertain Significance.

Blueprint Genetics
Classification: Uncertain significance. Last evaluated: 2019-02-22. Review status: criteria provided, single submitter. Criteria: ACMG Guidelines, 2015. Collection method: clinical testing. Allele origin: germline.